The following is an entry in ClinVar:

ClinVar aggregate classification (germline): Likely pathogenic. Review status: criteria provided, multiple submitters, no conflicts (2 of 4 stars). 2 submissions from 2 submitters: Likely pathogenic (2). Last evaluated 2024-02-07.

Conditions:
Cobalamin C disease. Also called: Methylmalonic aciduria with homocystinuria cblC type; methylmalonic aciduria and homocystinuria type cblC; Cobalamin-C methylmalonic acidemia and homocystinuria; Methylmalonic acidemia and homocystinuria cblC type; Methylmalonic aciduria and homocystinuria, Vitamin B12-responsive; Vitamin B12 metabolic defect with combined deficiency of methylmalonyl-CoA mutase and homocysteine:methyltetrahydrofolate methyltransferase. Identifiers: Orphanet 26, Orphanet 79282, MedGen C1848561, MONDO:0010184, OMIM 277400.

Submissions (2):

Fulgent Genetics
Classification: Likely pathogenic for Cobalamin C disease. Last evaluated: 2024-02-07. Review status: criteria provided, single submitter. Criteria: ACMG Guidelines, 2015. Collection method: clinical testing. Allele origin: germline.

Labcorp Genetics (formerly Invitae), Labcorp
Classification: Likely pathogenic for Cobalamin C disease. Last evaluated: 2022-09-20. Review status: criteria provided, single submitter. Criteria: Invitae Variant Classification Sherloc (09022015). Collection method: clinical testing. Allele origin: germline.
Comment: In summary, the currently available evidence indicates that the variant is pathogenic, but additional data are needed to prove that conclusively. Therefore, this variant has been classified as Likely Pathogenic. This variant disrupts the p.Gly155 amino acid residue in MMACHC. Other variant(s) that disrupt this residue have been observed in individuals with MMACHC-related conditions (PMID: 23837176), which suggests that this may be a clinically significant amino acid residue. Algorithms developed to predict the effect of missense changes on protein structure and function (SIFT, PolyPhen-2, Align-GVGD) all suggest that this variant is likely to be disruptive. This missense change has been observed in individual(s) with cobalamin C deficiency (PMID: 26149271, 30863077). In at least one individual the data is consistent with being in trans (on the opposite chromosome) from a pathogenic variant. This variant is not present in population databases (gnomAD no frequency). This sequence change replaces glycine, which is neutral and non-polar, with arginine, which is basic and polar, at codon 155 of the MMACHC protein (p.Gly155Arg).

Literature cited by the submitters: PubMed 23837176 (cited by Labcorp Genetics (formerly Invitae), Labcorp); PubMed 26149271 (cited by Labcorp Genetics (formerly Invitae), Labcorp); PubMed 30863077 (cited by Labcorp Genetics (formerly Invitae), Labcorp).

NM_015506.3(MMACHC):c.463G>C (p.Gly155Arg)

Gene: MMACHC (metabolism of cobalamin associated C; plus strand). Cytogenetic location: 1p34.1.
Variant type: single nucleotide variant.
Coding change: c.463G>C on transcript NM_015506.3 (MANE Select); coding-DNA position 463, G replaced by C.
Protein change: p.Gly155Arg; replaces glycine 155 with arginine.
Molecular consequence: missense variant.
Genome position (GRCh38, 1-based): chr1:45,508,829, G>C. VCF-style: chr1-45508829-G-C. GRCh37 (hg19) VCF-style: chr1-45974501-G-C.
Other names: c.292G>C, p.Gly98Arg (NM_001330540.2); short protein forms G98R, G155R.
Identifiers: ClinVar variation 2202759 (VCV002202759.5), dbSNP rs2522827017, ClinGen allele CA340133093.